The following is an entry in ClinVar:

ClinVar aggregate classification (germline): Uncertain significance (1 of 4 stars; one submission).

Allele frequency attached by ClinVar (database versions not stated): TOPMed 0.00002; gnomAD 0.00003; ExAC 0.00009; 1000 Genomes Project 30x 0.00016; 1000 Genomes Project 0.00020.
gnomAD v4.1: 60 of 1,614,148 alleles (0.0037%); highest among the groups gnomAD compares: South Asian, 0.033%; no homozygotes.

Submission:

Labcorp Genetics (formerly Invitae), Labcorp
Classification: Uncertain significance. Last evaluated: 2022-03-04. Review status: criteria provided, single submitter. Criteria: Invitae Variant Classification Sherloc (09022015). Collection method: clinical testing. Allele origin: germline.
Comment: This sequence change replaces arginine, which is basic and polar, with tryptophan, which is neutral and slightly polar, at codon 577 of the C8A protein (p.Arg577Trp). This variant is present in population databases (rs530776774, gnomAD 0.04%). This variant has not been reported in the literature in individuals affected with C8A-related conditions. Algorithms developed to predict the effect of missense changes on protein structure and function output the following: SIFT: "Tolerated"; PolyPhen-2: "Benign"; Align-GVGD: "Class C0". The tryptophan amino acid residue is found in multiple mammalian species, which suggests that this missense change does not adversely affect protein function. In summary, the available evidence is currently insufficient to determine the role of this variant in disease. Therefore, it has been classified as a Variant of Uncertain Significance.

NM_000562.3(C8A):c.1729C>T (p.Arg577Trp)

Gene: C8A (complement C8 alpha chain; plus strand). Cytogenetic location: 1p32.2.
Variant type: single nucleotide variant.
Coding change: c.1729C>T on transcript NM_000562.3 (MANE Select); coding-DNA position 1729, C replaced by T.
Protein change: p.Arg577Trp; replaces arginine 577 with tryptophan.
Molecular consequence: missense variant.
Genome position (GRCh38, 1-based): chr1:56,917,690, C>T. VCF-style: chr1-56917690-C-T. GRCh37 (hg19) VCF-style: chr1-57383363-C-T.
Other names: short protein forms R577W.
Identifiers: ClinVar variation 1905771 (VCV001905771.2), dbSNP rs530776774, ClinGen allele CA875495.